The following is an entry in ClinVar:

NM_001360.3(DHCR7):c.278C>A (p.Thr93Lys)

Gene: DHCR7 (7-dehydrocholesterol reductase; minus strand). Cytogenetic location: 11q13.4.
Variant type: single nucleotide variant.
Coding change: c.278C>A on transcript NM_001360.3 (MANE Select); coding-DNA position 278, C replaced by A.
Protein change: p.Thr93Lys; replaces threonine 93 with lysine.
Molecular consequence: missense variant.
Genome position (GRCh38, 1-based): chr11:71,444,036, G>T on the plus strand (C>A on the coding strand, the complement: DHCR7 is on the minus strand). VCF-style: chr11-71444036-G-T. GRCh37 (hg19) VCF-style: chr11-71155082-G-T.
Other names: c.278C>A, p.Thr93Lys (NM_001163817.2, NM_001425107.1, NM_001425108.1 and 8 more transcripts); c.182C>A, p.Thr61Lys (NM_001425113.1, NM_001425114.1, NM_001425116.1); c.104C>A, p.Thr35Lys (NM_001425117.1); short protein forms T61K, T35K, T93K.
Identifiers: ClinVar variation 2968929 (VCV002968929.3), dbSNP rs80338853, ClinGen allele CA381696172.

ClinVar aggregate classification (germline): Likely pathogenic (1 of 4 stars; one submission).

Conditions:
Smith-Lemli-Opitz syndrome (SLOS). Also called: LETHAL ACRODYSGENITAL SYNDROME; POLYDACTYLY, SEX REVERSAL, RENAL HYPOPLASIA, AND UNILOBAR LUNG; RSH SYNDROME; RUTLEDGE LETHAL MULTIPLE CONGENITAL ANOMALY SYNDROME; 7-Dehydrocholesterol reductase deficiency. Identifiers: Orphanet 818, MedGen C0175694, MONDO:0010035, OMIM 270400.

Submission:

Labcorp Genetics (formerly Invitae), Labcorp
Classification: Likely pathogenic for Smith-Lemli-Opitz syndrome. Last evaluated: 2022-11-29. Review status: criteria provided, single submitter. Criteria: Invitae Variant Classification Sherloc (09022015). Collection method: clinical testing. Allele origin: germline.
Comment: This sequence change replaces threonine, which is neutral and polar, with lysine, which is basic and polar, at codon 93 of the DHCR7 protein (p.Thr93Lys). This variant is not present in population databases (gnomAD no frequency). This variant has not been reported in the literature in individuals affected with DHCR7-related conditions. Advanced modeling of protein sequence and biophysical properties (such as structural, functional, and spatial information, amino acid conservation, physicochemical variation, residue mobility, and thermodynamic stability) performed at Invitae indicates that this missense variant is expected to disrupt DHCR7 protein function. This variant disrupts the p.Thr93 amino acid residue in DHCR7. Other variant(s) that disrupt this residue have been determined to be pathogenic (PMID: 9653161, 10602371, 10995508, 14981719). This suggests that this residue is clinically significant, and that variants that disrupt this residue are likely to be disease-causing. In summary, the currently available evidence indicates that the variant is pathogenic, but additional data are needed to prove that conclusively. Therefore, this variant has been classified as Likely Pathogenic.

Literature cited by the submitters: PubMed 9653161; PubMed 10602371; PubMed 10995508; PubMed 14981719.